The following is an entry in ClinVar:

NM_005045.4(RELN):c.7669-208C>T

Gene: RELN (reelin; minus strand). Cytogenetic location: 7q22.1.
Variant type: single nucleotide variant.
Coding change: c.7669-208C>T on transcript NM_005045.4 (MANE Select); 208 bases into the intron before coding-DNA position 7669, C replaced by T.
Molecular consequence: intron variant.
Genome position (GRCh38, 1-based): chr7:103,519,724, G>A on the plus strand (C>T on the coding strand, the complement: RELN is on the minus strand). VCF-style: chr7-103519724-G-A. GRCh37 (hg19) VCF-style: chr7-103160171-G-A.
Other names: c.7669-208C>T (NM_173054.3).
Identifiers: ClinVar variation 677571 (VCV000677571.1), dbSNP rs143511087, ClinGen allele CA163927601.

ClinVar aggregate classification (germline): Benign (1 of 4 stars; one submission).

Allele frequency attached by ClinVar (database versions not stated): gnomAD 0.02157; 1000 Genomes Project 0.02416; TOPMed 0.02514; 1000 Genomes Project 30x 0.02608.
gnomAD v4.1: 3,397 of 151,894 alleles (2.2%); highest among the groups gnomAD compares: African/African-American, 7.8%; 138 homozygotes.

Submission:

GeneDx
Classification: Benign. Last evaluated: 2018-06-16. Review status: criteria provided, single submitter. Criteria: GeneDx Variant Classification (06012015). Collection method: clinical testing. Allele origin: germline. Affected: yes.
Comment: This variant is considered likely benign or benign based on one or more of the following criteria: it is a conservative change, it occurs at a poorly conserved position in the protein, it is predicted to be benign by multiple in silico algorithms, and/or has population frequency not consistent with disease.